The following is an entry in ClinVar:

NM_001845.6(COL4A1):c.31C>T (p.Leu11=)

Gene: COL4A1 (collagen type IV alpha 1 chain; minus strand). Cytogenetic location: 13q34.
Variant type: single nucleotide variant.
Coding change: c.31C>T on transcript NM_001845.6 (MANE Select); coding-DNA position 31, C replaced by T.
Protein change: p.Leu11=; no amino-acid change (leucine 11 retained).
Molecular consequence: synonymous variant.
Genome position (GRCh38, 1-based): chr13:110,306,997, G>A on the plus strand (C>T on the coding strand, the complement: COL4A1 is on the minus strand). VCF-style: chr13-110306997-G-A. GRCh37 (hg19) VCF-style: chr13-110959344-G-A.
Other names: c.31C>T, p.Leu11= (NM_001303110.2); c.31C>T (NM_001845.5).
Identifiers: ClinVar variation 2962517 (VCV002962517.5), dbSNP rs956388056, ClinGen allele CA256274330.

ClinVar aggregate classification (germline): Likely benign. Review status: criteria provided, multiple submitters, no conflicts (2 of 4 stars). 3 submissions from 3 submitters: Likely benign (3). Last evaluated 2026-09-01.

Conditions:
COL4A1-related disorder. Also called: COL4A1-related condition; COL4A1-related disorders. Identifiers: MedGen CN376119, MONDO:0800461.

Allele frequency attached by ClinVar (database versions not stated): TOPMed 0.00001.
gnomAD v4.1: 3 of 1,477,670 alleles (0.0002%); highest among the groups gnomAD compares: East Asian, 0.0029%; no homozygotes.

Submissions (3):

CeGaT Center for Human Genetics Tuebingen
Classification: Likely benign. Last evaluated: 2026-09-01. Review status: criteria provided, single submitter. Criteria: CeGaT Center For Human Genetics Tuebingen Variant Classification Criteria Version 2. Collection method: clinical testing. Allele origin: germline. Affected: yes. Observed: 1 variant allele.
Comment: COL4A1: BP4, BP7

PreventionGenetics, part of Exact Sciences
Classification: Likely benign for COL4A1-related condition. Last evaluated: 2025-05-07. Review status: criteria provided, single submitter. Criteria: ACMG Guidelines, 2015. Collection method: clinical testing. Allele origin: germline.
Comment: This variant is classified as likely benign based on ACMG/AMP sequence variant interpretation guidelines (Richards et al. 2015 PMID: 25741868, with internal and published modifications).

Labcorp Genetics (formerly Invitae), Labcorp
Classification: Likely benign. Last evaluated: 2023-10-15. Review status: criteria provided, single submitter. Criteria: Invitae Variant Classification Sherloc (09022015). Collection method: clinical testing. Allele origin: germline.